The following is an entry in ClinVar:

ClinVar aggregate classification (germline): Likely benign (1 of 4 stars; one submission).

Allele frequency attached by ClinVar (database versions not stated): ESP Exome Variant Server 0.00077; gnomAD 0.00079; TOPMed 0.00090; 1000 Genomes Project 30x 0.00094; 1000 Genomes Project 0.00100; gnomAD exomes 0.00101; ExAC 0.00112.
gnomAD v4.1: 1,596 of 1,608,992 alleles (0.099%); highest among the groups gnomAD compares: Admixed American, 0.13%; 1 homozygote.

Submission:

CeGaT Center for Human Genetics Tuebingen
Classification: Likely benign. Last evaluated: 2024-06-01. Review status: criteria provided, single submitter. Criteria: CeGaT Center For Human Genetics Tuebingen Variant Classification Criteria Version 2. Collection method: clinical testing. Allele origin: germline. Affected: yes. Observed: 1 variant allele.
Comment: RXFP2: BP4

NM_130806.5(RXFP2):c.792G>A (p.Leu264=)

Gene: RXFP2 (relaxin family peptide receptor 2; plus strand). Cytogenetic location: 13q13.1.
Variant type: single nucleotide variant.
Coding change: c.792G>A on transcript NM_130806.5 (MANE Select); coding-DNA position 792, G replaced by A.
Protein change: p.Leu264=; no amino-acid change (leucine 264 retained).
Molecular consequence: synonymous variant.
Genome position (GRCh38, 1-based): chr13:31,781,677, G>A. VCF-style: chr13-31781677-G-A. GRCh37 (hg19) VCF-style: chr13-32355814-G-A.
Other names: c.792G>A, p.Leu264= (NM_001166058.2).
Identifiers: ClinVar variation 3250503 (VCV003250503.18), dbSNP rs150072413.